The following is an entry in ClinVar:

NM_002641.4(PIGA):c.104T>C (p.Ile35Thr)

Gene: PIGA (phosphatidylinositol glycan anchor biosynthesis class A; minus strand). Cytogenetic location: Xp22.2.
Variant type: single nucleotide variant.
Coding change: c.104T>C on transcript NM_002641.4 (MANE Select); coding-DNA position 104, T replaced by C.
Protein change: p.Ile35Thr; replaces isoleucine 35 with threonine.
Molecular consequence: missense variant. On other transcripts: non-coding transcript variant (1), intron variant (1).
Genome position (GRCh38, 1-based): chrX:15,331,827, A>G on the plus strand (T>C on the coding strand, the complement: PIGA is on the minus strand). VCF-style: chrX-15331827-A-G. GRCh37 (hg19) VCF-style: chrX-15349949-A-G.
Other names: c.13+3674T>C (NM_020473.3); short protein forms I35T.
Identifiers: ClinVar variation 3336684 (VCV003336684.1).

ClinVar aggregate classification (germline): Uncertain significance (1 of 4 stars; one submission).

Conditions:
Multiple congenital anomalies-hypotonia-seizures syndrome 2 (MCAHS2). Also called: EPILEPTIC ENCEPHALOPATHY, EARLY INFANTILE, 20; GLYCOSYLPHOSPHATIDYLINOSITOL BIOSYNTHESIS DEFECT 4. Identifiers: Orphanet 300496, MedGen C3275508, MONDO:0010466, OMIM 300868.
Neurodevelopmental disorder with epilepsy and hemochromatosis (NEDEPH). Identifiers: MedGen CN307964, OMIM 301072.

Submission:

Igenomix - Part of Vitrolife Group, Igenomix
Classification: Uncertain significance for Multiple congenital anomalies-hypotonia-seizures syndrome 2; Neurodevelopmental disorder with epilepsy and hemochromatosis. Review status: criteria provided, single submitter. Criteria: ACMG Guidelines, 2015. Collection method: clinical testing. Allele origin: germline. Inheritance: Autosomal recessive inheritance. Affected: no.
Comment: The PIGA variant (NM_002641.4:c.104T>C, p.Ile35Thr) replaces an amino acid Leucine with Arginine. The in silico tools predicted that this missense change may have a deleterious effect on the protein (Aggregated Prediction: Deleterious (0.85)). This variant is absent in the gnomAD v4.1.0 (PM2). Based on the evidence outlined above, the variant was classified as a variant of uncertain significance (PM2, PP3_Mod). This variant was detected in the heterozygous state through carrier screening.